The following is an entry in ClinVar:

ClinVar aggregate classification (germline): Uncertain significance (1 of 4 stars; one submission).

Conditions:
Nephronophthisis 15 (NPHP15). Identifiers: Orphanet 3156, MedGen C3541853, MONDO:0013917, OMIM 614845.

Submission:

Labcorp Genetics (formerly Invitae), Labcorp
Classification: Uncertain significance for Nephronophthisis 15. Last evaluated: 2022-07-06. Review status: criteria provided, single submitter. Criteria: Invitae Variant Classification Sherloc (09022015). Collection method: clinical testing. Allele origin: germline.
Comment: Algorithms developed to predict the effect of missense changes on protein structure and function output the following: SIFT: "Tolerated"; PolyPhen-2: "Benign"; Align-GVGD: "Class C0". The alanine amino acid residue is found in multiple mammalian species, which suggests that this missense change does not adversely affect protein function. In summary, the available evidence is currently insufficient to determine the role of this variant in disease. Therefore, it has been classified as a Variant of Uncertain Significance. ClinVar contains an entry for this variant (Variation ID: 1499866). This variant has not been reported in the literature in individuals affected with CEP164-related conditions. This variant is not present in population databases (gnomAD no frequency). This sequence change replaces proline, which is neutral and non-polar, with alanine, which is neutral and non-polar, at codon 583 of the CEP164 protein (p.Pro583Ala).

NM_014956.5(CEP164):c.1747C>G (p.Pro583Ala)

Gene: CEP164 (centrosomal protein 164; plus strand). Cytogenetic location: 11q23.3.
Variant type: single nucleotide variant.
Coding change: c.1747C>G on transcript NM_014956.5 (MANE Select); coding-DNA position 1747, C replaced by G.
Protein change: p.Pro583Ala; replaces proline 583 with alanine.
Molecular consequence: missense variant.
Genome position (GRCh38, 1-based): chr11:117,387,225, C>G. VCF-style: chr11-117387225-C-G. GRCh37 (hg19) VCF-style: chr11-117257941-C-G.
Other names: c.1756C>G, p.Pro586Ala (NM_001271933.2); short protein forms P583A, P586A.
Identifiers: ClinVar variation 1499866 (VCV001499866.8), dbSNP rs865780691, ClinGen allele CA382717004.